The following is an entry in ClinVar:

NM_000038.6(APC):c.4418A>G (p.Asn1473Ser)

Gene: APC (APC regulator of Wnt signaling pathway; plus strand). Cytogenetic location: 5q22.2.
Variant type: single nucleotide variant.
Coding change: c.4418A>G on transcript NM_000038.6 (MANE Select); coding-DNA position 4418, A replaced by G.
Protein change: p.Asn1473Ser; replaces asparagine 1473 with serine.
Molecular consequence: missense variant.
Genome position (GRCh38, 1-based): chr5:112,840,012, A>G. VCF-style: chr5-112840012-A-G. GRCh37 (hg19) VCF-style: chr5-112175709-A-G.
Other names: c.4418A>G, p.Asn1473Ser (NM_001127510.3, NM_001354895.2); c.4364A>G, p.Asn1455Ser (NM_001127511.3); c.4472A>G, p.Asn1491Ser (NM_001354896.2); c.4448A>G, p.Asn1483Ser (NM_001354897.2); c.4343A>G, p.Asn1448Ser (NM_001354898.2); c.4334A>G, p.Asn1445Ser (NM_001354899.2); c.4295A>G, p.Asn1432Ser (NM_001354900.2); c.4241A>G, p.Asn1414Ser (NM_001354901.2); and 6 more; short protein forms N1190S, N1313S, N1347S, N1372S, N1382S, N1414S, N1432S, N1445S.
Identifiers: ClinVar variation 1692136 (VCV001692136.5), dbSNP rs2149914235, ClinGen allele CA16031005.

ClinVar aggregate classification (germline): Uncertain significance. Review status: criteria provided, multiple submitters, no conflicts (2 of 4 stars). 3 submissions from 3 submitters: Uncertain significance (3). Last evaluated 2024-05-02.

Conditions:
Hereditary cancer-predisposing syndrome. Also called: Hereditary Cancer Syndrome; Hereditary neoplastic syndrome; Neoplastic Syndromes, Hereditary; Tumor predisposition. Identifiers: Orphanet 140162, MedGen C0027672, MeSH D009386, MONDO:0015356.
Familial adenomatous polyposis 1 (FAP1). Also called: FAMILIAL ADENOMATOUS POLYPOSIS 1, ATTENUATED; POLYPOSIS, ADENOMATOUS INTESTINAL. Identifiers: MedGen C2713442, MONDO:0021056, OMIM 175100. Disease mechanism: loss of function.

gnomAD v4.1: 1 of 1,614,112 alleles (0.000062%); highest among the groups gnomAD compares: Non-Finnish European, 0.000085%; no homozygotes.

Submissions (3):

Ambry Genetics
Classification: Uncertain significance for Hereditary cancer-predisposing syndrome. Last evaluated: 2024-05-02. Review status: criteria provided, single submitter. Criteria: Ambry Variant Classification Scheme 2023. Collection method: clinical testing. Allele origin: germline.
Comment: The p.N1473S variant (also known as c.4418A>G), located in coding exon 15 of the APC gene, results from an A to G substitution at nucleotide position 4418. The asparagine at codon 1473 is replaced by serine, an amino acid with highly similar properties. This amino acid position is not well conserved in available vertebrate species, and serine is the reference amino acid in other vertebrate species. In addition, in silico predictors for this gene do not accurately predict pathogenicity. Based on the available evidence, the clinical significance of this variant remains unclear.

Labcorp Genetics (formerly Invitae), Labcorp
Classification: Uncertain significance for Familial adenomatous polyposis 1. Last evaluated: 2022-12-07. Review status: criteria provided, single submitter. Criteria: Invitae Variant Classification Sherloc (09022015). Collection method: clinical testing. Allele origin: germline.
Comment: In summary, the available evidence is currently insufficient to determine the role of this variant in disease. Therefore, it has been classified as a Variant of Uncertain Significance. Advanced modeling of protein sequence and biophysical properties (such as structural, functional, and spatial information, amino acid conservation, physicochemical variation, residue mobility, and thermodynamic stability) performed at Invitae indicates that this missense variant is not expected to disrupt APC protein function. ClinVar contains an entry for this variant (Variation ID: 1692136). This variant has not been reported in the literature in individuals affected with APC-related conditions. This variant is not present in population databases (gnomAD no frequency). This sequence change replaces asparagine, which is neutral and polar, with serine, which is neutral and polar, at codon 1473 of the APC protein (p.Asn1473Ser).

Sema4
Classification: Uncertain significance for Hereditary cancer-predisposing syndrome. Last evaluated: 2021-12-21. Review status: criteria provided, single submitter. Criteria: Sema4 Curation Guidelines. Collection method: curation. Allele origin: germline.
Comment: The APC c.4418A>G (p.N1473S) variant has not been reported in literature to our knowledge. This variant was not observed in the large and broad cohorts of the Genome Aggregation Database (PMID: 32461654). This variant has not been reported in ClinVar. Functional studies have not been performed, and in silico predictions of the variant's effect on protein function are inconclusive. The evidence is insufficient to meet ACMG/AMP criteria for classifying the variant as benign or pathogenic. Thus, the clinical significance of this variant is currently uncertain.